The following is an entry in ClinVar:

NM_005726.6(TSFM):c.630_631del (p.Phe211fs)

Gene: TSFM (Ts translation elongation factor, mitochondrial; plus strand). Cytogenetic location: 12q14.1.
Variant type: Deletion.
Coding change: c.630_631del on transcript NM_005726.6 (MANE Select); coding-DNA positions 630 to 631, 2 bases deleted (GT; older notation c.630_631delGT).
Protein change: p.Phe211fs; shifts the reading frame from phenylalanine 211.
Molecular consequence: frameshift variant. On other transcripts: 3 prime UTR variant (1), intron variant (1).
Genome position (GRCh38, 1-based): chr12:57,796,235-57,796,236, GT deleted. VCF-style (leftmost placement, unchanged base first): chr12-57796234-GGT-G. GRCh37 (hg19) VCF-style: chr12-58190017-GGT-G.
Other names: c.*38_*39del (NM_001172695.2); c.693_694del, p.Phe232fs (NM_001172696.2); c.571+3162_571+3163del (NM_001172697.2); short protein forms F211fs, F232fs.
Identifiers: ClinVar variation 4776998 (VCV004776998.1).

ClinVar aggregate classification (germline): Pathogenic (1 of 4 stars; one submission).

Submission:

Labcorp Genetics (formerly Invitae), Labcorp
Classification: Pathogenic. Last evaluated: 2025-03-04. Review status: criteria provided, single submitter. Criteria: Invitae Variant Classification Sherloc (09022015). Collection method: clinical testing. Allele origin: germline.
Comment: This sequence change creates a premature translational stop signal (p.Phe232Leufs*30) in the TSFM gene. While this is not anticipated to result in nonsense mediated decay, it is expected to disrupt the last 115 amino acid(s) of the TSFM protein. This variant is not present in population databases (gnomAD no frequency). This variant has not been reported in the literature in individuals affected with TSFM-related conditions. This variant disrupts a region of the TSFM protein in which other variant(s) (p.Cys336Tyr) have been determined to be pathogenic (PMID: 25037205). This suggests that this is a clinically significant region of the protein, and that variants that disrupt it are likely to be disease-causing. For these reasons, this variant has been classified as Pathogenic.

Literature cited by the submitters: PubMed 25037205.